The following is an entry in ClinVar:

NM_000094.4(COL7A1):c.8498T>G (p.Val2833Gly)

Gene: COL7A1 (collagen type VII alpha 1 chain; minus strand). Cytogenetic location: 3p21.31.
Variant type: single nucleotide variant.
Coding change: c.8498T>G on transcript NM_000094.4 (MANE Select); coding-DNA position 8498, T replaced by G.
Protein change: p.Val2833Gly; replaces valine 2833 with glycine.
Molecular consequence: missense variant.
Genome position (GRCh38, 1-based): chr3:48,565,439, A>C on the plus strand (T>G on the coding strand, the complement: COL7A1 is on the minus strand). VCF-style: chr3-48565439-A-C. GRCh37 (hg19) VCF-style: chr3-48602872-A-C.
Other names: short protein forms V2833G.
Identifiers: ClinVar variation 1501666 (VCV001501666.5), dbSNP rs1360820174, ClinGen allele CA352634817.
Genomic context (GRCh38, chr3:48,565,439, plus strand): 5'-ATAGCTGCCCCACGGGTTCAGCTGTCCTCACCTTCCTCCTCTGCATGAGAGACGCGGAGC[A>C]CAGGCACAGCATGGAGCTGGGAGCCGGCAGTGTCTGCAGCATAACTAGGGAGGGGTCCTG-3'
Protein context (NP_000085.1, residues 2823-2843): TAGSQLHAVP[Val2833Gly]LRVSHAEEEE

ClinVar aggregate classification (germline): Uncertain significance (1 of 4 stars; one submission).

Allele frequency attached by ClinVar (database versions not stated): TOPMed below 0.00001; gnomAD exomes below 0.00001.
gnomAD v4.1: 1 of 1,612,888 alleles (0.000062%); highest among the groups gnomAD compares: Admixed American, 0.0017%; no homozygotes.

Submission:

Labcorp Genetics (formerly Invitae), Labcorp
Classification: Uncertain significance. Last evaluated: 2021-08-24. Review status: criteria provided, single submitter. Criteria: Invitae Variant Classification Sherloc (09022015). Collection method: clinical testing. Allele origin: germline.
Comment: This sequence change replaces valine with glycine at codon 2833 of the COL7A1 protein (p.Val2833Gly). The valine residue is moderately conserved and there is a moderate physicochemical difference between valine and glycine. This variant is not present in population databases (ExAC no frequency). This variant has not been reported in the literature in individuals affected with COL7A1-related conditions. Advanced modeling of protein sequence and biophysical properties (such as structural, functional, and spatial information, amino acid conservation, physicochemical variation, residue mobility, and thermodynamic stability) performed at Invitae indicates that this missense variant is not expected to disrupt COL7A1 protein function. In summary, the available evidence is currently insufficient to determine the role of this variant in disease. Therefore, it has been classified as a Variant of Uncertain Significance.